The following is an entry in ClinVar:

ClinVar aggregate classification (germline): Pathogenic (1 of 4 stars; one submission).

Submission:

GeneDx
Classification: Pathogenic. Last evaluated: 2017-09-18. Review status: criteria provided, single submitter. Criteria: GeneDx Variant Classification (06012015). Collection method: clinical testing. Allele origin: germline. Affected: yes.
Comment: The c.844dupT variant in the UBA5 gene has not been reported previously as a pathogenic variant nor as a benign variant, to our knowledge. The c.844dupT variant causes a frameshift starting with codon Tyrosine 282, changes this amino acid to a Leucine residue, and creates a premature Stop codon at position 23 of the new reading frame, denoted p.Tyr282LeufsX23. This variant is predicted to cause loss of normal protein function either through protein truncation or nonsense-mediated mRNA decay. The c.844dupT variant is not observed in large population cohorts (Lek et al., 2016; 1000 Genomes Consortium et al., 2015; Exome Variant Server). We interpret c.844dupT as a pathogenic variant.

NM_024818.6(UBA5):c.844dup (p.Tyr282fs)

Genes: NPHP3-ACAD11 (NPHP3-ACAD11 readthrough (NMD candidate); minus strand), UBA5 (ubiquitin like modifier activating enzyme 5; plus strand). Cytogenetic location: 3q22.1.
Variant type: Duplication.
Coding change: c.844dup on transcript NM_024818.6 (MANE Select); coding-DNA position 844, one base duplicated (T; older notation c.844dupT).
Protein change: p.Tyr282fs; shifts the reading frame from tyrosine 282.
Molecular consequence: frameshift variant.
Genome position (GRCh38, 1-based): chr3:132,675,279, T duplicated; the last of 5 consecutive T bases (chr3:132,675,275-132,675,279); duplicating any one gives the same sequence. VCF-style (leftmost placement, unchanged base first): chr3-132675274-G-GT. GRCh37 (hg19) VCF-style: chr3-132394118-G-GT.
Other names: c.676dup, p.Tyr226fs (NM_001320210.2, NM_198329.4); c.574dup, p.Tyr192fs (NM_001321238.2); c.508dup, p.Tyr170fs (NM_001321239.1); short protein forms Y226fs, Y282fs, Y170fs, Y192fs.
Identifiers: ClinVar variation 452114 (VCV000452114.2), dbSNP rs1553770562, ClinGen allele CA658657337.